The following is an entry in ClinVar:

ClinVar aggregate classification (germline): Uncertain significance. Review status: criteria provided, multiple submitters, no conflicts (2 of 4 stars). 3 submissions from 3 submitters: Uncertain significance (3). Last evaluated 2026-04-21.

Conditions:
Nephronophthisis. Also called: Juvenile Nephronophthisis. Identifiers: Orphanet 655, MedGen C0687120, MONDO:0019005, HP:0000090.
INVS-related disorder. Also called: INVS-related condition.
Inborn genetic diseases. Identifiers: MedGen C0950123, MeSH D030342.

Allele frequency attached by ClinVar (database versions not stated): TOPMed below 0.00001.

Submissions (3):

PreventionGenetics, part of Exact Sciences
Classification: Uncertain significance for INVS-related condition. Last evaluated: 2026-04-21. Review status: criteria provided, single submitter. Criteria: ACMG Guidelines, 2015. Collection method: clinical testing. Allele origin: germline.
Comment: The INVS c.2630C>T variant is predicted to result in the amino acid substitution p.Thr877Ile. To our knowledge, this variant has not been reported in the literature or in a large population database (gnomAD), indicating this variant is rare. At this time, the clinical significance of this variant is uncertain due to the absence of conclusive functional and genetic evidence.

Ambry Genetics
Classification: Uncertain significance for Inborn genetic diseases. Last evaluated: 2024-01-03. Review status: criteria provided, single submitter. Criteria: Ambry Variant Classification Scheme 2023. Collection method: clinical testing. Allele origin: germline.

Labcorp Genetics (formerly Invitae), Labcorp
Classification: Uncertain significance for Nephronophthisis. Last evaluated: 2022-07-12. Review status: criteria provided, single submitter. Criteria: Invitae Variant Classification Sherloc (09022015). Collection method: clinical testing. Allele origin: germline.
Comment: This sequence change replaces threonine, which is neutral and polar, with isoleucine, which is neutral and non-polar, at codon 877 of the INVS protein (p.Thr877Ile). This variant is not present in population databases (gnomAD no frequency). This variant has not been reported in the literature in individuals affected with INVS-related conditions. ClinVar contains an entry for this variant (Variation ID: 1356013). Algorithms developed to predict the effect of missense changes on protein structure and function (SIFT, PolyPhen-2, Align-GVGD) all suggest that this variant is likely to be tolerated. In summary, the available evidence is currently insufficient to determine the role of this variant in disease. Therefore, it has been classified as a Variant of Uncertain Significance.

NM_014425.5(INVS):c.2630C>T (p.Thr877Ile)

Gene: INVS (inversin; plus strand). Cytogenetic location: 9q31.1.
Variant type: single nucleotide variant.
Coding change: c.2630C>T on transcript NM_014425.5 (MANE Select); coding-DNA position 2630, C replaced by T.
Protein change: p.Thr877Ile; replaces threonine 877 with isoleucine.
Molecular consequence: missense variant. On other transcripts: non-coding transcript variant (1).
Genome position (GRCh38, 1-based): chr9:100,292,887, C>T. VCF-style: chr9-100292887-C-T. GRCh37 (hg19) VCF-style: chr9-103055169-C-T.
Other names: c.2630C>T (NM_014425.4, NM_014425.2); c.2342C>T, p.Thr781Ile (NM_001318381.2); c.1652C>T, p.Thr551Ile (NM_001318382.2); short protein forms T551I, T877I, T781I.
Identifiers: ClinVar variation 1356013 (VCV001356013.7), dbSNP rs1411773135, ClinGen allele CA374244169.
Genomic context (GRCh38, chr9:100,292,887, plus strand): 5'-CAGGAGCTAGGAGGCTGGAGACATCTACCCTGTCCGAGGACTTTCAGGTATCTAAGGAGA[C>T]TGATCCAGCACCTGGTCCCCTCTCTGGGCAGAGTGTGAATATTGACCTTCTCCCCGTAGA-3'
Protein context (NP_055240.2, residues 867-887): LSEDFQVSKE[Thr877Ile]DPAPGPLSGQ